The following is an entry in ClinVar:

ClinVar aggregate classification (germline): Benign. Review status: criteria provided, multiple submitters, no conflicts (2 of 4 stars). 2 submissions from 2 submitters: Benign (2). Last evaluated 2018-06-14.

Allele frequency attached by ClinVar (database versions not stated): gnomAD exomes 0.17234; gnomAD 0.26928 and 0.27085; TOPMed 0.28693; 1000 Genomes Project 0.34265; 1000 Genomes Project 30x 0.35493.
gnomAD v4.1: 133,877 of 690,964 alleles (19%); highest among the groups gnomAD compares: African/African-American, 55%; 18,601 homozygotes.

Submissions (2):

GeneDx
Classification: Benign. Last evaluated: 2018-06-14. Review status: criteria provided, single submitter. Criteria: GeneDx Variant Classification (06012015). Collection method: clinical testing. Allele origin: germline. Affected: yes.
Comment: This variant is considered likely benign or benign based on one or more of the following criteria: it is a conservative change, it occurs at a poorly conserved position in the protein, it is predicted to be benign by multiple in silico algorithms, and/or has population frequency not consistent with disease.

Breakthrough Genomics
Classification: Benign. Review status: criteria provided, single submitter. Criteria: ACMG Guidelines, 2015. Collection method: not provided. Allele origin: germline. Inheritance: Autosomal recessive inheritance. Affected: yes.

NM_000070.3(CAPN3):c.1782+183A>T

Gene: CAPN3 (calpain 3; plus strand). Cytogenetic location: 15q15.1.
Variant type: single nucleotide variant.
Coding change: c.1782+183A>T on transcript NM_000070.3 (MANE Select); 183 bases into the intron after coding-DNA position 1782, A replaced by T.
Molecular consequence: intron variant.
Genome position (GRCh38, 1-based): chr15:42,403,960, A>T. VCF-style: chr15-42403960-A-T. GRCh37 (hg19) VCF-style: chr15-42696158-A-T.
Other names: c.1782+183A>T (NM_024344.2); c.1638+183A>T (NM_173087.2); c.246+183A>T (NM_173088.2).
Identifiers: ClinVar variation 678276 (VCV000678276.2), dbSNP rs7163986, ClinGen allele CA14078408.